The following is an entry in ClinVar:

ClinVar aggregate classification (germline): Uncertain significance (1 of 4 stars; one submission).

gnomAD v4.1: 1 of 1,614,174 alleles (0.000062%); highest among the groups gnomAD compares: Non-Finnish European, 0.000085%; no homozygotes.

Submission:

GeneDx
Classification: Uncertain significance. Last evaluated: 2024-02-14. Review status: criteria provided, single submitter. Criteria: GeneDx Variant Classification Process June 2021. Collection method: clinical testing. Allele origin: germline. Affected: yes.
Comment: Not observed at significant frequency in large population cohorts (gnomAD); In silico analysis supports that this missense variant has a deleterious effect on protein structure/function; Has not been previously published as pathogenic or benign to our knowledge

NM_003709.4(KLF7):c.436C>G (p.Arg146Gly)

Gene: KLF7 (KLF transcription factor 7; minus strand). Cytogenetic location: 2q33.3.
Variant type: single nucleotide variant.
Coding change: c.436C>G on transcript NM_003709.4 (MANE Select); coding-DNA position 436, C replaced by G.
Protein change: p.Arg146Gly; replaces arginine 146 with glycine.
Molecular consequence: missense variant.
Genome position (GRCh38, 1-based): chr2:207,124,071, G>C on the plus strand (C>G on the coding strand, the complement: KLF7 is on the minus strand). VCF-style: chr2-207124071-G-C. GRCh37 (hg19) VCF-style: chr2-207988795-G-C.
Other names: c.436C>G, p.Arg146Gly (NM_001270942.1); c.337C>G, p.Arg113Gly (NM_001270943.2); c.352C>G, p.Arg118Gly (NM_001270944.2); short protein forms R113G, R118G, R146G.
Identifiers: ClinVar variation 3369262 (VCV003369262.1).
Genomic context (GRCh38, chr2:207,124,071, plus strand): 5'-GTTTCAACGTCACCGTGCCATCCACGGCAGAGAGAGTTTGTGAGGTTTTGACCAGATGGC[G>C]GCTGAGCTCAGGGGACGATGGGGGCGTTAATGAGGTCACTGCGTTGAGCTGGGCCTGGTT-3'
Protein context (NP_003700.1, residues 136-156): LTPPSSPELS[Arg146Gly]HLVKTSQTLS